The following is an entry in ClinVar:

NM_015215.4(CAMTA1):c.4132C>T (p.Arg1378Cys)

Genes: CAMTA1 (calmodulin binding transcription activator 1; plus strand), LOC126805603 (CDK7 strongly-dependent group 2 enhancer GRCh37_chr1:7798026-7799225; plus strand). Cytogenetic location: 1p36.23.
Variant type: single nucleotide variant.
Coding change: c.4132C>T on transcript NM_015215.4 (MANE Select); coding-DNA position 4132, C replaced by T.
Protein change: p.Arg1378Cys; replaces arginine 1378 with cysteine.
Molecular consequence: missense variant.
Genome position (GRCh38, 1-based): chr1:7,738,432, C>T. VCF-style: chr1-7738432-C-T. GRCh37 (hg19) VCF-style: chr1-7798492-C-T.
Other names: c.4042C>T, p.Arg1348Cys (NM_001349608.2); c.3793C>T, p.Arg1265Cys (NM_001349609.2, NM_001349610.2, NM_001410737.1); c.3703C>T, p.Arg1235Cys (NM_001349612.2); c.1261C>T, p.Arg421Cys (NM_001349613.1); c.1204C>T, p.Arg402Cys (NM_001349614.1, NM_001349615.2, NM_001349616.2 and 2 more transcripts); c.865C>T, p.Arg289Cys (NM_001349619.2, NM_001349620.1, NM_001349621.1 and 5 more transcripts); c.3721C>T, p.Arg1241Cys (NM_001410738.1); short protein forms R1235C, R1241C, R1265C, R1348C, R1378C, R289C, R402C, R421C.
Identifiers: ClinVar variation 3900792 (VCV003900792.3).

ClinVar aggregate classification (germline): Uncertain significance. Review status: criteria provided, multiple submitters, no conflicts (2 of 4 stars). 2 submissions from 2 submitters: Uncertain significance (2). Last evaluated 2026-08-20.

Conditions:
CAMTA1-related disorder. Also called: CAMTA1-related condition.

gnomAD v4.1: 10 of 1,613,928 alleles (0.00062%); highest among the groups gnomAD compares: African/African-American, 0.0013%; no homozygotes.

Submissions (2):

PreventionGenetics, part of Exact Sciences
Classification: Uncertain significance for CAMTA1-related condition. Last evaluated: 2026-08-20. Review status: criteria provided, single submitter. Criteria: ACMG Guidelines, 2015. Collection method: clinical testing. Allele origin: germline.
Comment: The CAMTA1 c.4132C>T variant is predicted to result in the amino acid substitution p.Arg1378Cys. To our knowledge, this variant has not been reported in the literature or in a large population database (gnomAD), indicating this variant is rare. At this time, the clinical significance of this variant is uncertain due to the absence of conclusive functional and genetic evidence.

GeneDx
Classification: Uncertain significance. Last evaluated: 2026-06-28. Review status: criteria provided, single submitter. Criteria: GeneDx Variant Classification Process June 2021. Collection method: clinical testing. Allele origin: germline.
Comment: Not observed at significant frequency in large population cohorts (gnomAD); In silico analysis supports that this missense variant has a deleterious effect on protein structure/function; Has not been previously published as pathogenic or benign to our knowledge